The following is an entry in ClinVar:

NM_019100.5(DMAP1):c.1175G>A (p.Arg392Gln)

Gene: DMAP1 (DNA methyltransferase 1 associated protein 1; plus strand). Cytogenetic location: 1p34.1.
Variant type: single nucleotide variant.
Coding change: c.1175G>A on transcript NM_019100.5 (MANE Select); coding-DNA position 1175, G replaced by A.
Protein change: p.Arg392Gln; replaces arginine 392 with glutamine.
Molecular consequence: missense variant.
Genome position (GRCh38, 1-based): chr1:44,220,140, G>A. VCF-style: chr1-44220140-G-A. GRCh37 (hg19) VCF-style: chr1-44685812-G-A.
Other names: c.1175G>A, p.Arg392Gln (NM_001034023.2, NM_001034024.2); short protein forms R392Q.
Identifiers: ClinVar variation 4292726 (VCV004292726.2).
Genomic context (GRCh38, chr1:44,220,140, plus strand): 5'-TGCTGCTCTACGAGCTCAAGCAGGCCTGTGCCAACTGCGAGTATGAGCTGCAGATGCTGC[G>A]GCACCGTCATGAGGCACTGGCCCGGGCTGGTGTGCTAGGGGGCCCTGCCACACCAGCATC-3'
Protein context (NP_061973.1, residues 382-402): ANCEYELQML[Arg392Gln]HRHEALARAG

ClinVar aggregate classification (germline): Uncertain significance. Review status: criteria provided, single submitter (1 of 4 stars). 2 submissions from 2 submitters: Uncertain significance (1). 1 of the submissions does not count toward it. Last evaluated 2025-02-06.

Conditions:
DMAP1-related disorder.
INTELLECTUAL DEVELOPMENTAL DISORDER, AUTOSOMAL RECESSIVE 86 (MRT86). Identifiers: MedGen CN382545, OMIM 621738.

Submissions (2):

3billion
Classification: Uncertain significance for DMAP1-related disorder. Last evaluated: 2025-02-06. Review status: criteria provided, single submitter. Criteria: ACMG Guidelines, 2015. Collection method: clinical testing. Allele origin: germline. Affected: yes.
Comment: The variant is observed at an extremely low frequency in the gnomAD v4.1.0 dataset (total allele frequency: <0.001%). Predicted Consequence/Location: Missense variant. The majority of the known disease-causing variants of this gene are variants expected to result in premature termination of the protein. In silico tool predictions suggest damaging effect of the variant on gene or gene product [REVEL: 0.68 (>=0.6, sensitivity 0.68 and specificity 0.92)]. The variant has been reported as of uncertain significance (PMID: 28600779). Therefore, this variant is classified as VUS according to the recommendation of ACMG/AMP guideline.

OMIM
Classification: Pathogenic for INTELLECTUAL DEVELOPMENTAL DISORDER, AUTOSOMAL RECESSIVE 86. Last evaluated: 2026-10-13. Review status: no assertion criteria provided. Collection method: literature only. Allele origin: germline. Not counted in ClinVar's aggregate classification.

Literature cited by the submitters: PubMed 42275155 (cited by OMIM).